The following is an entry in ClinVar:

NM_018112.3(TMEM38B):c.386del (p.Gly129fs)

Gene: TMEM38B (transmembrane protein 38B; plus strand). Cytogenetic location: 9q31.2.
Variant type: Deletion.
Coding change: c.386del on transcript NM_018112.3 (MANE Select); coding-DNA position 386, one base deleted (G; older notation c.386delG).
Protein change: p.Gly129fs; shifts the reading frame from glycine 129.
Molecular consequence: frameshift variant.
Genome position (GRCh38, 1-based): chr9:105,721,653, G deleted; the last of 2 consecutive G bases (chr9:105,721,652-105,721,653); deleting either gives the same sequence. VCF-style (leftmost placement, unchanged base first): chr9-105721651-TG-T. GRCh37 (hg19) VCF-style: chr9-108483932-TG-T.
Other names: short protein forms G129fs.
Identifiers: ClinVar variation 4855305 (VCV004855305.1).

ClinVar aggregate classification (germline): Likely pathogenic (1 of 4 stars; one submission).

Conditions:
Osteogenesis imperfecta type 14. Also called: Osteogenesis imperfecta, type xiv; OI, TYPE XIV. Identifiers: Orphanet 666, MedGen C3554428, MONDO:0014029, OMIM 615066.

Submission:

3billion
Classification: Likely pathogenic for Osteogenesis imperfecta type 14. Last evaluated: 2025-10-02. Review status: criteria provided, single submitter. Criteria: ACMG Guidelines, 2015. Collection method: clinical testing. Allele origin: germline. Affected: yes.
Comment: The variant is not observed in the gnomAD v4.1.0 dataset. Predicted Consequence/Location: Frameshift: predicted to result in a loss or disruption of normal protein function through nonsense-mediated decay (NMD) or protein truncation. Multiple pathogenic variants are reported downstream of the variant. Therefore, this variant is classified as Likely pathogenic according to the recommendation of ACMG/AMP guideline.